The following is an entry in ClinVar:

NM_001393986.1(PRDM2):c.2934G>A (p.Pro978=)

Gene: PRDM2 (PR/SET domain 2; plus strand). Cytogenetic location: 1p36.21.
Variant type: single nucleotide variant.
Coding change: c.2934G>A on transcript NM_001393986.1 (MANE Select); coding-DNA position 2934, G replaced by A.
Protein change: p.Pro978=; no amino-acid change (proline 978 retained).
Molecular consequence: synonymous variant. On other transcripts: intron variant (1).
Genome position (GRCh38, 1-based): chr1:13,780,729, G>A. VCF-style: chr1-13780729-G-A. GRCh37 (hg19) VCF-style: chr1-14107224-G-A.
Other names: c.2331G>A, p.Pro777= (NM_001007257.3, NM_001393987.1, NM_001393988.1); c.2934G>A, p.Pro978= (NM_012231.5, NM_015866.6); c.511+31242G>A (NM_001135610.2).
Identifiers: ClinVar variation 2638288 (VCV002638288.24), dbSNP rs1403926467, ClinGen allele CA416373456.

ClinVar aggregate classification (germline): Likely benign (1 of 4 stars; one submission).

Allele frequency attached by ClinVar (database versions not stated): gnomAD exomes 0.00002; gnomAD 0.00004; TOPMed 0.00005.
gnomAD v4.1: 35 of 1,535,966 alleles (0.0023%); highest among the groups gnomAD compares: Admixed American, 0.0078%; no homozygotes.

Submission:

CeGaT Center for Human Genetics Tuebingen
Classification: Likely benign. Last evaluated: 2022-09-01. Review status: criteria provided, single submitter. Criteria: CeGaT Center For Human Genetics Tuebingen Variant Classification Criteria Version 2. Collection method: clinical testing. Allele origin: germline. Affected: yes. Observed: 1 variant allele.
Comment: PRDM2: BP4, BP7